The following is an entry in ClinVar:

NM_015072.5(TTLL5):c.1303A>G (p.Ser435Gly)

Gene: TTLL5 (tubulin tyrosine ligase like 5; plus strand). Cytogenetic location: 14q24.3.
Variant type: single nucleotide variant.
Coding change: c.1303A>G on transcript NM_015072.5 (MANE Select); coding-DNA position 1303, A replaced by G.
Protein change: p.Ser435Gly; replaces serine 435 with glycine.
Molecular consequence: missense variant.
Genome position (GRCh38, 1-based): chr14:75,745,116, A>G. VCF-style: chr14-75745116-A-G. GRCh37 (hg19) VCF-style: chr14-76211459-A-G.
Other names: short protein forms S435G.
Identifiers: ClinVar variation 839493 (VCV000839493.7), dbSNP rs1345632163, ClinGen allele CA390465259.

ClinVar aggregate classification (germline): Uncertain significance. Review status: criteria provided, multiple submitters, no conflicts (2 of 4 stars). 2 submissions from 2 submitters: Uncertain significance (2). Last evaluated 2023-12-22.

Conditions:
Inborn genetic diseases. Identifiers: MedGen C0950123, MeSH D030342.

Allele frequency attached by ClinVar (database versions not stated): gnomAD exomes below 0.00001; gnomAD 0.00001.
gnomAD v4.1: 4 of 1,613,814 alleles (0.00025%); highest among the groups gnomAD compares: Admixed American, 0.0033%; no homozygotes.

Submissions (2):

Ambry Genetics
Classification: Uncertain significance for Inborn genetic diseases. Last evaluated: 2023-12-22. Review status: criteria provided, single submitter. Criteria: Ambry Variant Classification Scheme 2023. Collection method: clinical testing. Allele origin: germline.

Labcorp Genetics (formerly Invitae), Labcorp
Classification: Uncertain significance. Last evaluated: 2021-08-26. Review status: criteria provided, single submitter. Criteria: Invitae Variant Classification Sherloc (09022015). Collection method: clinical testing. Allele origin: germline.
Comment: This sequence change replaces serine with glycine at codon 435 of the TTLL5 protein (p.Ser435Gly). The serine residue is moderately conserved and there is a small physicochemical difference between serine and glycine. This variant is not present in population databases (ExAC no frequency). This variant has not been reported in the literature in individuals affected with TTLL5-related conditions. Algorithms developed to predict the effect of missense changes on protein structure and function (SIFT, PolyPhen-2, Align-GVGD) all suggest that this variant is likely to be tolerated. In summary, the available evidence is currently insufficient to determine the role of this variant in disease. Therefore, it has been classified as a Variant of Uncertain Significance.